The following is an entry in ClinVar:

ClinVar aggregate classification (germline): Uncertain significance. Review status: criteria provided, multiple submitters, no conflicts (2 of 4 stars). 2 submissions from 2 submitters: Uncertain significance (2). Last evaluated 2022-08-05.

Conditions:
Hereditary cancer-predisposing syndrome. Also called: Hereditary neoplastic syndrome; Neoplastic Syndromes, Hereditary; Tumor predisposition; Hereditary Cancer Syndrome. Identifiers: Orphanet 140162, MedGen C0027672, MeSH D009386, MONDO:0015356.
Microcephaly, normal intelligence and immunodeficiency (NBS). Also called: IMMUNODEFICIENCY, MICROCEPHALY, AND CHROMOSOMAL INSTABILITY; SEEMANOVA SYNDROME II; Nijmegen breakage syndrome; Microcephaly with normal intelligence immunodeficiency and lymphoreticular malignancies; Nonsyndromal microcephaly autosomal recessive with normal intelligence; Seemanova syndrome 2. Identifiers: Orphanet 647, MedGen C0398791, MONDO:0009623, OMIM 251260.

Submissions (2):

Labcorp Genetics (formerly Invitae), Labcorp
Classification: Uncertain significance for Microcephaly, normal intelligence and immunodeficiency. Last evaluated: 2022-08-05. Review status: criteria provided, single submitter. Criteria: Invitae Variant Classification Sherloc (09022015). Collection method: clinical testing. Allele origin: germline.
Comment: This variant is not present in population databases (gnomAD no frequency). This sequence change falls in intron 6 of the NBN gene. It does not directly change the encoded amino acid sequence of the NBN protein. It affects a nucleotide within the consensus splice site. Variants that disrupt the consensus splice site are a relatively common cause of aberrant splicing (PMID: 17576681, 9536098). Algorithms developed to predict the effect of sequence changes on RNA splicing suggest that this variant is not likely to affect RNA splicing. This variant has not been reported in the literature in individuals affected with NBN-related conditions. ClinVar contains an entry for this variant (Variation ID: 480023). In summary, the available evidence is currently insufficient to determine the role of this variant in disease. Therefore, it has been classified as a Variant of Uncertain Significance.

Ambry Genetics
Classification: Uncertain significance for Hereditary cancer-predisposing syndrome. Last evaluated: 2016-02-08. Review status: criteria provided, single submitter. Criteria: Ambry Variant Classification Scheme 2023. Collection method: clinical testing. Allele origin: germline.
Comment: The c.702+4delA intronic variant, located in intron 6 of the NBN gene, results from a deletion of one nucleotide 4 nucleotides after coding exon 6 of the NBN gene. This variant was not reported in population based cohorts in the following databases: Database of Single Nucleotide Polymorphisms (dbSNP), NHLBI Exome Sequencing Project (ESP), and 1000 Genomes Project. In the ESP, this variant was not observed in 6493 samples (12986 alleles) with coverage at this position. To date, this alteration has been detected with an allele frequency of approximately 0.001% (greater than 120000 alleles tested) in our clinical cohort. This nucleotide position is highly conserved in available vertebrate species. Using the BDGP and ESEfinder splice site prediction tools, this alteration is predicted to weaken the efficiency of the native splice donor site; however, direct evidence is unavailable. Since supporting evidence is limited at this time, the clinical significance of this alteration remains unclear.

Literature cited by the submitters: PubMed 17576681 (cited by Labcorp Genetics (formerly Invitae), Labcorp); PubMed 9536098 (cited by Labcorp Genetics (formerly Invitae), Labcorp).

NM_002485.5(NBN):c.702+4del

Gene: NBN (nibrin; minus strand). Cytogenetic location: 8q21.3.
Variant type: Deletion.
Coding change: c.702+4del on transcript NM_002485.5 (MANE Select); 4 bases into the intron after coding-DNA position 702, one base deleted (A; older notation c.702+4delA).
Molecular consequence: intron variant.
Genome position (GRCh38, 1-based): chr8:89,971,169, T deleted on the plus strand (A on the coding strand, the reverse complement: NBN is on the minus strand); the first of 2 consecutive T bases (chr8:89,971,169-89,971,170); deleting either gives the same sequence. VCF-style (leftmost placement, unchanged base first): chr8-89971168-AT-A. GRCh37 (hg19) VCF-style: chr8-90983396-AT-A.
Other names: c.702+4delA (NM_002485.4); c.456+4del (NM_001024688.3).
Identifiers: ClinVar variation 480023 (VCV000480023.10), dbSNP rs1554564199, ClinGen allele CA658657806.
Genomic context (GRCh38, chr8:89,971,168, plus strand): 5'-GAGTTAATAATGTATCCTAGTTTGTAATGTATTCTTTAGGAAAATTTAGCTTATAACATA[AT>A]TACCTGTTTGGCATTCAAAAATATAAATGTTTTCCCTTTGAAGATTTGTTTTCTTTCCTG-3'